The following is an entry in ClinVar:

NM_052874.5(STX1B):c.206A>C (p.Lys69Thr)

Gene: STX1B (syntaxin 1B; minus strand). Cytogenetic location: 16p11.2.
Variant type: single nucleotide variant.
Coding change: c.206A>C on transcript NM_052874.5 (MANE Select); coding-DNA position 206, A replaced by C.
Protein change: p.Lys69Thr; replaces lysine 69 with threonine.
Molecular consequence: missense variant.
Genome position (GRCh38, 1-based): chr16:31,001,002, T>G on the plus strand (A>C on the coding strand, the complement: STX1B is on the minus strand). VCF-style: chr16-31001002-T-G. GRCh37 (hg19) VCF-style: chr16-31012323-T-G.
Other names: short protein forms K69T.
Identifiers: ClinVar variation 3361326 (VCV003361326.1).

ClinVar aggregate classification (germline): Uncertain significance (1 of 4 stars; one submission).

Submission:

GeneDx
Classification: Uncertain significance. Last evaluated: 2024-04-02. Review status: criteria provided, single submitter. Criteria: GeneDx Variant Classification Process June 2021. Collection method: clinical testing. Allele origin: germline. Affected: yes.
Comment: Not observed at significant frequency in large population cohorts (gnomAD); In silico analysis is inconclusive as to whether the variant alters gene splicing. In the absence of RNA/functional studies, the actual effect of this sequence change is unknown.; In silico analysis supports that this missense variant has a deleterious effect on protein structure/function; Has not been previously published as pathogenic or benign to our knowledge